The following is an entry in ClinVar:

NM_001365999.1(SZT2):c.2339G>A (p.Arg780His)

Gene: SZT2 (SZT2 subunit of KICSTOR complex; plus strand). Cytogenetic location: 1p34.2.
Variant type: single nucleotide variant.
Coding change: c.2339G>A on transcript NM_001365999.1 (MANE Select); coding-DNA position 2339, G replaced by A.
Protein change: p.Arg780His; replaces arginine 780 with histidine.
Molecular consequence: missense variant.
Genome position (GRCh38, 1-based): chr1:43,424,300, G>A. VCF-style: chr1-43424300-G-A. GRCh37 (hg19) VCF-style: chr1-43889971-G-A.
Other names: c.2339G>A, p.Arg780His (NM_015284.4); short protein forms R780H.
Identifiers: ClinVar variation 936158 (VCV000936158.5), dbSNP rs748329017, ClinGen allele CA808669.

ClinVar aggregate classification (germline): Uncertain significance (1 of 4 stars; one submission).

Allele frequency attached by ClinVar (database versions not stated): ExAC 0.00001; gnomAD exomes 0.00002.
gnomAD v4.1: 19 of 1,597,972 alleles (0.0012%); highest among the groups gnomAD compares: Admixed American, 0.005%; no homozygotes.

Submission:

Labcorp Genetics (formerly Invitae), Labcorp
Classification: Uncertain significance. Last evaluated: 2021-09-01. Review status: criteria provided, single submitter. Criteria: Invitae Variant Classification Sherloc (09022015). Collection method: clinical testing. Allele origin: germline.
Comment: This sequence change replaces arginine with histidine at codon 780 of the SZT2 protein (p.Arg780His). The arginine residue is moderately conserved and there is a small physicochemical difference between arginine and histidine. The frequency data for this variant in the population databases is considered unreliable, as metrics indicate poor data quality at this position in the ExAC database. This variant has not been reported in the literature in individuals affected with SZT2-related conditions. Algorithms developed to predict the effect of missense changes on protein structure and function are either unavailable or do not agree on the potential impact of this missense change (SIFT: "Deleterious"; PolyPhen-2: "Probably Damaging"; Align-GVGD: "Class C0"). In summary, the available evidence is currently insufficient to determine the role of this variant in disease. Therefore, it has been classified as a Variant of Uncertain Significance.